The following is an entry in ClinVar:

ClinVar aggregate classification (germline): Uncertain significance. Review status: criteria provided, multiple submitters, no conflicts (2 of 4 stars). 2 submissions from 2 submitters: Uncertain significance (2). Last evaluated 2023-08-15.

Conditions:
Arrhythmogenic cardiomyopathy with wooly hair and keratoderma. Also called: Dilated cardiomyopathy with woolly hair and keratoderma; Arrhythmogenic cardiomyopathy with woolly hair and keratoderma; PALMOPLANTAR KERATODERMA WITH LEFT VENTRICULAR CARDIOMYOPATHY AND WOOLLY HAIR; Carvajal syndrome. Identifiers: Orphanet 65282, MedGen C1854063, MONDO:0011581, OMIM 605676.
Arrhythmogenic right ventricular dysplasia 8 (ARVD8). Also called: Arrhythmogenic Right Ventricular Dysplasia/Cardiomyopathy 8; ARRHYTHMOGENIC RIGHT VENTRICULAR DYSPLASIA, FAMILIAL, 8; ARRHYTHMOGENIC RIGHT VENTRICULAR CARDIOMYOPATHY 8. Identifiers: MedGen C1843896, MONDO:0011831, OMIM 607450.

Submissions (2):

All of Us Research Program, National Institutes of Health
Classification: Uncertain significance for Arrhythmogenic cardiomyopathy with wooly hair and keratoderma. Last evaluated: 2023-08-15. Review status: criteria provided, single submitter. Criteria: ACMG Guidelines, 2015. Collection method: clinical testing. Allele origin: germline. Inheritance: Autosomal dominant inheritance. Observed: 1 variant allele, 1 heterozygote.
Comment: This missense variant replaces serine with cysteine at codon 2829 of the DSP protein. Computational prediction suggests that this variant may not impact protein structure and function (internally defined REVEL score threshold <= 0.5, PMID: 27666373). To our knowledge, functional studies have not been reported for this variant. This variant has not been reported in individuals affected with DSP-related disorders in the literature. This variant has not been identified in the general population by the Genome Aggregation Database (gnomAD). The available evidence is insufficient to determine the role of this variant in disease conclusively. Therefore, this variant is classified as a Variant of Uncertain Significance.

This study involves interpretation of variants in research participants for the purpose of population health screening. Participant phenotype was not available at the time of variant classification. Additional details can be found in publication PMID: 35346344, PMCID: PMC8962531

Labcorp Genetics (formerly Invitae), Labcorp
Classification: Uncertain significance for Arrhythmogenic cardiomyopathy with wooly hair and keratoderma; Arrhythmogenic right ventricular dysplasia 8. Last evaluated: 2020-09-08. Review status: criteria provided, single submitter. Criteria: Invitae Variant Classification Sherloc (09022015). Collection method: clinical testing. Allele origin: germline.
Comment: In summary, the available evidence is currently insufficient to determine the role of this variant in disease. Therefore, it has been classified as a Variant of Uncertain Significance. Algorithms developed to predict the effect of missense changes on protein structure and function are either unavailable or do not agree on the potential impact of this missense change (SIFT: "Deleterious"; PolyPhen-2: "Probably Damaging"; Align-GVGD: "Class C0"). This variant has not been reported in the literature in individuals with DSP-related conditions. This variant is not present in population databases (ExAC no frequency). This sequence change replaces serine with cysteine at codon 2829 of the DSP protein (p.Ser2829Cys). The serine residue is moderately conserved and there is a moderate physicochemical difference between serine and cysteine.

NM_004415.4(DSP):c.8486C>G (p.Ser2829Cys)

Gene: DSP (desmoplakin; plus strand). Cytogenetic location: 6p24.3.
Variant type: single nucleotide variant.
Coding change: c.8486C>G on transcript NM_004415.4 (MANE Select); coding-DNA position 8486, C replaced by G.
Protein change: p.Ser2829Cys; replaces serine 2829 with cysteine.
Molecular consequence: missense variant.
Genome position (GRCh38, 1-based): chr6:7,585,748, C>G. VCF-style: chr6-7585748-C-G. GRCh37 (hg19) VCF-style: chr6-7585981-C-G.
Other names: c.6689C>G, p.Ser2230Cys (NM_001008844.3); c.7157C>G, p.Ser2386Cys (NM_001319034.2); short protein forms S2230C, S2386C, S2829C.
Identifiers: ClinVar variation 1052527 (VCV001052527.10), dbSNP rs2113705415, ClinGen allele CA362695243.
Genomic context (GRCh38, chr6:7,585,748, plus strand): 5'-CGTCCAAGGGCTTACCCAGCCCTTACAACATGTCTTCGGCTCCGGGGTCCCGCTCCGGCT[C>G]CCGCTCGGGATCTCGCTCCGGATCTCGCTCCGGGTCCCGCAGTGGGTCCCGGAGAGGAAG-3'
Protein context (NP_004406.2, residues 2819-2839): MSSAPGSRSG[Ser2829Cys]RSGSRSGSRS